The following is an entry in ClinVar:

NM_000092.5(COL4A4):c.2168_2169dup (p.Arg724fs)

Gene: COL4A4 (collagen type IV alpha 4 chain; minus strand). Cytogenetic location: 2q36.3.
Variant type: Duplication.
Coding change: c.2168_2169dup on transcript NM_000092.5 (MANE Select); coding-DNA positions 2168 to 2169, 2 bases duplicated (TT; older notation c.2168_2169dupTT).
Protein change: p.Arg724fs; shifts the reading frame from arginine 724.
Molecular consequence: frameshift variant.
Genome position (GRCh38, 1-based): chr2:227,059,619-227,059,620, AA duplicated on the plus strand (TT on the coding strand, the reverse complement: COL4A4 is on the minus strand); duplicating any 2 consecutive bases within chr2:227,059,619-227,059,622 gives the same sequence; the c. name uses the placement nearest the transcript's 3' end. VCF-style (leftmost placement, unchanged base first): chr2-227059618-G-GAA. GRCh37 (hg19) VCF-style: chr2-227924334-G-GAA.
Other names: short protein forms R724fs.
Identifiers: ClinVar variation 1456542 (VCV001456542.6), dbSNP rs2150277252, ClinGen allele CA2573135650.

ClinVar aggregate classification (germline): Pathogenic (1 of 4 stars; one submission).

Submission:

Labcorp Genetics (formerly Invitae), Labcorp
Classification: Pathogenic. Last evaluated: 2021-11-05. Review status: criteria provided, single submitter. Criteria: Invitae Variant Classification Sherloc (09022015). Collection method: clinical testing. Allele origin: germline.
Comment: This sequence change creates a premature translational stop signal (p.Arg724Phefs*30) in the COL4A4 gene. It is expected to result in an absent or disrupted protein product. Loss-of-function variants in COL4A4 are known to be pathogenic (PMID: 21196518, 24854265, 25307543). This variant is not present in population databases (gnomAD no frequency). This premature translational stop signal has been observed in individual(s) with Alport syndrome (PMID: 26809805). For these reasons, this variant has been classified as Pathogenic.

Literature cited by the submitters: PubMed 21196518; PubMed 24854265; PubMed 25307543; PubMed 26809805.